The following is an entry in ClinVar:

NM_201548.5(CERKL):c.1073+1G>A

Gene: CERKL (CERK like autophagy regulator; minus strand). Cytogenetic location: 2q31.3.
Variant type: single nucleotide variant.
Coding change: c.1073+1G>A on transcript NM_201548.5 (MANE Select); the canonical splice donor site of the intron after coding-DNA position 1073, G replaced by A.
Molecular consequence: splice donor variant.
Genome position (GRCh38, 1-based): chr2:181,548,679, C>T on the plus strand (G>A on the coding strand, the complement: CERKL is on the minus strand). VCF-style: chr2-181548679-C-T. GRCh37 (hg19) VCF-style: chr2-182413406-C-T.
Other names: c.734+1G>A (NM_001030312.3); c.1019+1G>A (NM_001160277.2); c.866+1G>A (NM_001030313.3); c.1151+1G>A (NM_001030311.3).
Identifiers: ClinVar variation 1067907 (VCV001067907.8), dbSNP rs1283658402, ClinGen allele CA349736710.

ClinVar aggregate classification (germline): Likely pathogenic. Review status: criteria provided, single submitter (1 of 4 stars). 2 submissions from 2 submitters: Likely pathogenic (1). 1 of the submissions does not count toward it. Last evaluated 2021-01-30.

Conditions:
Retinitis pigmentosa 26 (RP26). Identifiers: Orphanet 791, MedGen C1842127, MONDO:0012024, OMIM 608380.

Allele frequency attached by ClinVar (database versions not stated): gnomAD exomes below 0.00001.
gnomAD v4.1: 1 of 1,613,904 alleles (0.000062%); highest among the groups gnomAD compares: East Asian, 0.0022%; no homozygotes.

Submissions (2):

Labcorp Genetics (formerly Invitae), Labcorp
Classification: Likely pathogenic. Last evaluated: 2021-01-30. Review status: criteria provided, single submitter. Criteria: Invitae Variant Classification Sherloc (09022015). Collection method: clinical testing. Allele origin: germline.
Comment: This variant is not present in population databases (ExAC no frequency). This sequence change affects a donor splice site in intron 8 of the CERKL gene. It is expected to disrupt RNA splicing and likely results in an absent or disrupted protein product. This variant has not been reported in the literature in individuals with CERKL-related conditions. Algorithms developed to predict the effect of sequence changes on RNA splicing suggest that this variant may disrupt the consensus splice site, but this prediction has not been confirmed by published transcriptional studies. Donor and acceptor splice site variants typically lead to a loss of protein function (PMID: 16199547), and loss-of-function variants in CERKL are known to be pathogenic (PMID: 14681825, 24043777). In summary, the currently available evidence indicates that the variant is pathogenic, but additional data are needed to prove that conclusively. Therefore, this variant has been classified as Likely Pathogenic.

Natera, Inc.
Classification: Likely pathogenic for Retinitis Pigmentosa 26. Last evaluated: 2021-01-21. Review status: no assertion criteria provided. Collection method: clinical testing. Allele origin: germline. Not counted in ClinVar's aggregate classification.

Literature cited by the submitters: PubMed 16199547 (cited by Labcorp Genetics (formerly Invitae), Labcorp); PubMed 14681825 (cited by Labcorp Genetics (formerly Invitae), Labcorp); PubMed 24043777 (cited by Labcorp Genetics (formerly Invitae), Labcorp).